The following is an entry in ClinVar:

NM_001267550.2(TTN):c.99315del (p.Glu33106fs)

Genes: TTN-AS1 (TTN antisense RNA 1; plus strand), TTN (titin; minus strand). Cytogenetic location: 2q31.2.
Variant type: Deletion.
Coding change: c.99315del on transcript NM_001267550.2 (MANE Select); coding-DNA position 99315, one base deleted (A; older notation c.99315delA).
Protein change: p.Glu33106fs; shifts the reading frame from glutamic acid 33106.
Molecular consequence: frameshift variant.
Genome position (GRCh38, 1-based): chr2:178,537,892, T deleted on the plus strand (A on the coding strand, the reverse complement: TTN is on the minus strand); the first of 3 consecutive T bases (chr2:178,537,892-178,537,894); deleting any one gives the same sequence. VCF-style (leftmost placement, unchanged base first): chr2-178537891-CT-C. GRCh37 (hg19) VCF-style: chr2-179402618-CT-C.
Other names: c.94392del, p.Glu31465fs (NM_001256850.1); c.72120del, p.Glu24041fs (NM_003319.4); c.91611del, p.Glu30538fs (NM_133378.4); c.72495del, p.Glu24166fs (NM_133432.3); c.72696del, p.Glu24233fs (NM_133437.4); short protein forms E24041fs, E24233fs, E24166fs, E30538fs, E31465fs, E33106fs.
Identifiers: ClinVar variation 1983780 (VCV001983780.4), dbSNP rs2468688990, ClinGen allele CA2580064635.

ClinVar aggregate classification (germline): Likely pathogenic (1 of 4 stars; one submission).

Conditions:
Dilated cardiomyopathy 1G (CMD1G). Identifiers: Orphanet 154, MedGen C1858763, MONDO:0011400, OMIM 604145.
Autosomal recessive limb-girdle muscular dystrophy type 2J (LGMDR10). Also called: Limb-girdle muscular dystrophy, type 2J; MUSCULAR DYSTROPHY, LIMB-GIRDLE, AUTOSOMAL RECESSIVE 10. Identifiers: Orphanet 140922, MedGen C1837342, MONDO:0012127, OMIM 608807.

Submission:

Labcorp Genetics (formerly Invitae), Labcorp
Classification: Likely pathogenic for Dilated cardiomyopathy 1G; Autosomal recessive limb-girdle muscular dystrophy type 2J. Last evaluated: 2022-08-09. Review status: criteria provided, single submitter. Criteria: Invitae Variant Classification Sherloc (09022015). Collection method: clinical testing. Allele origin: germline.
Comment: In summary, the currently available evidence indicates that the variant is pathogenic, but additional data are needed to prove that conclusively. Therefore, this variant has been classified as Likely Pathogenic. This variant is located in the A band of TTN (PMID: 25589632). Truncating variants in this region are significantly overrepresented in patients affected with dilated cardiomyopathy (PMID: 25589632). Truncating variants in this region have also been reported in individuals affected with autosomal recessive centronuclear myopathy (PMID: 23975875). This variant has not been reported in the literature in individuals affected with TTN-related conditions. This variant is not present in population databases (gnomAD no frequency). This sequence change creates a premature translational stop signal (p.Glu33106Lysfs*2) in the TTN gene. While this is not anticipated to result in nonsense mediated decay, it is expected to create a truncated TTN protein.

Literature cited by the submitters: PubMed 25589632; PubMed 23975875.